The following is an entry in ClinVar:

ClinVar aggregate classification (germline): Conflicting classifications of pathogenicity. Review status: criteria provided, conflicting classifications (1 of 4 stars). 3 submissions from 3 submitters: Uncertain significance (1); Likely benign (1). 1 of the submissions does not count toward it. Last evaluated 2025-01-14.

Conditions:
Inflammatory bowel disease 25. Also called: Inflammatory bowel disease 25, early onset, autosomal recessive. Identifiers: Orphanet 238569, MedGen C2675508, MONDO:0012941, OMIM 612567.
Hepatitis B virus, susceptibility to. Also called: HBV, SUSCEPTIBILITY TO. Identifiers: MedGen C1864880, MONDO:0012488, OMIM 610424.
IL10RB-related disorder. Also called: IL10RB-related condition.

Allele frequency attached by ClinVar (database versions not stated): 1000 Genomes Project 30x 0.00031; 1000 Genomes Project 0.00040; gnomAD exomes 0.00001 and 0.00002; ExAC 0.00002; gnomAD 0.00007 and 0.00008; TOPMed 0.00007.
gnomAD v4.1: 38 of 1,613,050 alleles (0.0024%); highest among the groups gnomAD compares: African/African-American, 0.035%; no homozygotes.

Submissions (3):

Labcorp Genetics (formerly Invitae), Labcorp
Classification: Likely benign for Inflammatory bowel disease 25. Last evaluated: 2025-01-14. Review status: criteria provided, single submitter. Criteria: Invitae Variant Classification Sherloc (09022015). Collection method: clinical testing. Allele origin: germline.

Center for Genomics, Ann and Robert H. Lurie Children's Hospital of Chicago
Classification: Uncertain significance for Hepatitis B virus, susceptibility to; Inflammatory bowel disease 25. Review status: criteria provided, single submitter. Criteria: ACMG Guidelines, 2015. Collection method: clinical testing. Allele origin: germline.
Comment: IL10RB NM_000628.4 exon 6 c.804+8G>A: This variant has not been reported in the literature but is present in 0.01% (3/16256) of African alleles in the Genome Aggregation Database. Evolutionary conservation and computational predictive tools for this variant are limited or unavailable. This variant is an intronic variant with no predicted change in the amino acid sequence but may have an unknown effect on splicing. Further studies are needed to understand its impact. In summary, data on this variant is insufficient for disease classification. Therefore, the clinical significance of this variant is uncertain.

PreventionGenetics, part of Exact Sciences
Classification: Likely benign for IL10RB-related condition. Last evaluated: 2020-02-14. Review status: no assertion criteria provided. Collection method: clinical testing. Allele origin: germline. Not counted in ClinVar's aggregate classification.
Comment: This variant is classified as likely benign based on ACMG/AMP sequence variant interpretation guidelines (Richards et al. 2015 PMID: 25741868, with internal and published modifications).

NM_000628.5(IL10RB):c.804+8G>A

Genes: IFNAR2-IL10RB (IFNAR2-IL10RB readthrough; plus strand), IL10RB (interleukin 10 receptor subunit beta; plus strand). Cytogenetic location: 21q22.11.
Variant type: single nucleotide variant.
Coding change: c.804+8G>A on transcript NM_000628.5 (MANE Select); 8 bases into the intron after coding-DNA position 804, G replaced by A.
Molecular consequence: intron variant.
Genome position (GRCh38, 1-based): chr21:33,288,269, G>A. VCF-style: chr21-33288269-G-A. GRCh37 (hg19) VCF-style: chr21-34660574-G-A.
Other names: c.804+8G>A (NM_000628.4).
Identifiers: ClinVar variation 992564 (VCV000992564.14), dbSNP rs112943706, ClinGen allele CA10006241.